The following is an entry in ClinVar:

ClinVar aggregate classification (germline): Uncertain significance (1 of 4 stars; one submission).

Conditions:
Autoimmune lymphoproliferative syndrome, type III caused by mutation in PRKCD. Identifiers: Orphanet 3261, Orphanet 664711, MedGen C3809928, MONDO:8000024, OMIM 615559.

Submission:

Labcorp Genetics (formerly Invitae), Labcorp
Classification: Uncertain significance for Autoimmune lymphoproliferative syndrome, type III caused by mutation in PRKCD. Last evaluated: 2025-12-15. Review status: criteria provided, single submitter. Criteria: Invitae Variant Classification Sherloc (09022015). Collection method: clinical testing. Allele origin: germline.
Comment: This sequence change replaces alanine, which is neutral and non-polar, with proline, which is neutral and non-polar, at codon 323 of the PRKCD protein (p.Ala323Pro). This variant is not present in population databases (gnomAD no frequency). This variant has not been reported in the literature in individuals affected with PRKCD-related conditions. An algorithm developed to predict the effect of missense changes on protein structure and function outputs the following: PolyPhen-2: "Benign". The proline amino acid residue is found in multiple mammalian species, which suggests that this missense change does not adversely affect protein function. In summary, the available evidence is currently insufficient to determine the role of this variant in disease. Therefore, it has been classified as a Variant of Uncertain Significance.

NM_006254.4(PRKCD):c.967G>C (p.Ala323Pro)

Gene: PRKCD (protein kinase C delta; plus strand). Cytogenetic location: 3p21.1.
Variant type: single nucleotide variant.
Coding change: c.967G>C on transcript NM_006254.4 (MANE Select); coding-DNA position 967, G replaced by C.
Protein change: p.Ala323Pro; replaces alanine 323 with proline.
Molecular consequence: missense variant.
Genome position (GRCh38, 1-based): chr3:53,185,682, G>C. VCF-style: chr3-53185682-G-C. GRCh37 (hg19) VCF-style: chr3-53219698-G-C.
Other names: c.967G>C, p.Ala323Pro (NM_001316327.2, NM_001354679.2, NM_001354680.2 and 1 more transcripts); c.1024G>C, p.Ala342Pro (NM_001354676.2); c.1015G>C, p.Ala339Pro (NM_001354678.2); short protein forms A323P, A339P, A342P.
Identifiers: ClinVar variation 4768607 (VCV004768607.1).